The following is an entry in ClinVar:

ClinVar aggregate classification (germline): Uncertain significance (1 of 4 stars; one submission).

gnomAD v4.1: 5 of 1,614,080 alleles (0.00031%); highest among the groups gnomAD compares: Non-Finnish European, 0.00042%; no homozygotes.

Submission:

GeneDx
Classification: Uncertain significance. Last evaluated: 2023-12-18. Review status: criteria provided, single submitter. Criteria: GeneDx Variant Classification Process June 2021. Collection method: clinical testing. Allele origin: germline. Affected: yes.
Comment: Not observed at significant frequency in large population cohorts (gnomAD); In silico analysis supports that this missense variant has a deleterious effect on protein structure/function; Has not been previously published as pathogenic or benign to our knowledge; Reported using the transcript encoding the epithelial isoform of the gene

NM_001374736.1(DST):c.3935A>C (p.Glu1312Ala)

Gene: DST (dystonin; minus strand). Cytogenetic location: 6p12.1.
Variant type: single nucleotide variant.
Coding change: c.3935A>C on transcript NM_001374736.1 (MANE Select); coding-DNA position 3935, A replaced by C.
Protein change: p.Glu1312Ala; replaces glutamic acid 1312 with alanine.
Molecular consequence: missense variant.
Genome position (GRCh38, 1-based): chr6:56,631,911, T>G on the plus strand (A>C on the coding strand, the complement: DST is on the minus strand). VCF-style: chr6-56631911-T-G. GRCh37 (hg19) VCF-style: chr6-56496709-T-G.
Other names: c.3836A>C, p.Glu1279Ala (NM_001144769.5); c.3422A>C, p.Glu1141Ala (NM_001144770.2); c.3935A>C, p.Glu1312Ala (NM_001374722.1); c.3302A>C, p.Glu1101Ala (NM_001374729.1, NM_001374730.1, NM_001386100.1 and 1 more transcripts); c.3962A>C, p.Glu1321Ala (NM_001374734.1); c.2324A>C, p.Glu775Ala (NM_001723.7, NM_015548.5); short protein forms E1101A, E1141A, E1279A, E1312A, E1321A, E775A.
Identifiers: ClinVar variation 3365731 (VCV003365731.1).
Genomic context (GRCh38, chr6:56,631,911, plus strand): 5'-AGTTTTTTTCCCAACATATTTATAGCTCTCACCTCCTGTTCTGTGATTCTGAACACACTT[T>G]CATGCAAATCATCTCTTTCCAGGGGAGTTCGAATCTGTCTAATCAGCCGATCTTCACAGT-3'
Protein context (NP_001361665.1, residues 1302-1322): RTPLERDDLH[Glu1312Ala]SVFRITEQEK